The following is an entry in ClinVar:

NM_003242.6(TGFBR2):c.937C>T (p.Arg313Trp)

Gene: TGFBR2 (transforming growth factor beta receptor 2; plus strand). Cytogenetic location: 3p24.1.
Variant type: single nucleotide variant.
Coding change: c.937C>T on transcript NM_003242.6 (MANE Select); coding-DNA position 937, C replaced by T.
Protein change: p.Arg313Trp; replaces arginine 313 with tryptophan.
Molecular consequence: missense variant.
Genome position (GRCh38, 1-based): chr3:30,672,120, C>T. VCF-style: chr3-30672120-C-T. GRCh37 (hg19) VCF-style: chr3-30713612-C-T.
Other names: c.1012C>T, p.Arg338Trp (NM_001024847.3); c.1120C>T, p.Arg374Trp (NM_001407126.1); c.1045C>T, p.Arg349Trp (NM_001407127.1); c.964C>T, p.Arg322Trp (NM_001407128.1); c.940C>T, p.Arg314Trp (NM_001407129.1); c.937C>T, p.Arg313Trp (NM_001407130.1); c.832C>T, p.Arg278Trp (NM_001407132.1, NM_001407133.1, NM_001407134.1 and 2 more transcripts); c.652C>T, p.Arg218Trp (NM_001407137.1); and 1 more; short protein forms R313W, R338W, R193W, R322W, R314W, R374W, R278W, R349W.
Identifiers: ClinVar variation 927287 (VCV000927287.18), dbSNP rs55751315, ClinGen allele CA71528357.
Genomic context (GRCh38, chr3:30,672,120, plus strand): 5'-ATCTTCTCAGACATCAATCTGAAGCATGAGAACATACTCCAGTTCCTGACGGCTGAGGAG[C>T]GGAAGACGGAGTTGGGGAAACAATACTGGCTGATCACCGCCTTCCACGCCAAGGGCAACC-3'
Protein context (NP_003233.4, residues 303-323): NILQFLTAEE[Arg313Trp]KTELGKQYWL

ClinVar aggregate classification (germline): Uncertain significance. Review status: criteria provided, multiple submitters, no conflicts (2 of 4 stars). 5 submissions from 5 submitters: Uncertain significance (5). Last evaluated 2025-09-02.

Conditions:
Isolated thoracic aortic aneurysm.
Loeys-Dietz syndrome 2 (LDS2). Also called: Marfan syndrome, type 2 (formerly); Marfan Syndrome type 2; Marfan like connective tissue disorder; MFS 2; AORTIC ANEURYSM, FAMILIAL THORACIC 3; MARFAN SYNDROME, TYPE II. Identifiers: Orphanet 284973, Orphanet 558, MedGen C2674574, MONDO:0012427, OMIM 610168.
Familial thoracic aortic aneurysm and aortic dissection (TAAD). Also called: Thoracic aortic aneurysms and dissections. Identifiers: Orphanet 91387, MedGen C4707243, MONDO:0019625.

Allele frequency attached by ClinVar (database versions not stated): gnomAD exomes 0.00001; gnomAD 0.00005 and 0.00006; TOPMed 0.00006.
gnomAD v4.1: 24 of 1,614,050 alleles (0.0015%); highest among the groups gnomAD compares: Admixed American, 0.015%; no homozygotes.

Submissions (5):

Labcorp Genetics (formerly Invitae), Labcorp
Classification: Uncertain significance for Familial thoracic aortic aneurysm and aortic dissection. Last evaluated: 2025-09-02. Review status: criteria provided, single submitter. Criteria: Invitae Variant Classification Sherloc (09022015). Collection method: clinical testing. Allele origin: germline.
Comment: This sequence change replaces arginine, which is basic and polar, with tryptophan, which is neutral and slightly polar, at codon 313 of the TGFBR2 protein (p.Arg313Trp). This variant is present in population databases (rs55751315, gnomAD 0.003%). This missense change has been observed in individual(s) with thoracic aortic aneurysm and dissection (PMID: 33824467). ClinVar contains an entry for this variant (Variation ID: 927287). Invitae Evidence Modeling of protein sequence and biophysical properties (such as structural, functional, and spatial information, amino acid conservation, physicochemical variation, residue mobility, and thermodynamic stability) indicates that this missense variant is expected to disrupt TGFBR2 protein function with a positive predictive value of 95%. In summary, the available evidence is currently insufficient to determine the role of this variant in disease. Therefore, it has been classified as a Variant of Uncertain Significance.

All of Us Research Program, National Institutes of Health
Classification: Uncertain significance for Loeys-Dietz syndrome 2. Last evaluated: 2024-08-13. Review status: criteria provided, single submitter. Criteria: ACMG Guidelines, 2015. Collection method: clinical testing. Allele origin: germline. Inheritance: Autosomal dominant inheritance. Observed: 5 variant alleles, 5 heterozygotes.
Comment: This missense variant replaces arginine with tryptophan at codon 313 of the TGFBR2 protein. Computational prediction is inconclusive regarding the impact of this variant on protein structure and function (internally defined REVEL score threshold 0.5 < inconclusive < 0.7, PMID: 27666373). To our knowledge, functional studies have not been reported for this variant. This variant has not been reported in individuals affected with cardiovascular disorders in the literature. This variant has been identified in 3/251038 chromosomes in the general population by the Genome Aggregation Database (gnomAD). The available evidence is insufficient to determine the role of this variant in disease conclusively. Therefore, this variant is classified as a Variant of Uncertain Significance.

This study involves interpretation of variants in research participants for the purpose of population health screening. Participant phenotype was not available at the time of variant classification. Additional details can be found in publication PMID: 35346344, PMCID: PMC8962531

Color Diagnostics, LLC DBA Color Health
Classification: Uncertain significance for Familial thoracic aortic aneurysm and aortic dissection. Last evaluated: 2024-03-06. Review status: criteria provided, single submitter. Criteria: ACMG Guidelines, 2015. Collection method: clinical testing. Allele origin: germline.
Comment: This missense variant replaces arginine with tryptophan at codon 313 of the TGFBR2 protein. Computational prediction is inconclusive regarding the impact of this variant on protein structure and function. To our knowledge, functional studies have not been reported for this variant. This variant has not been reported in individuals affected with TGFBR2-related disorders in the literature. This variant has been identified in 3/251038 chromosomes in the general population by the Genome Aggregation Database (gnomAD). The available evidence is insufficient to determine the role of this variant in disease conclusively. Therefore, this variant is classified as a Variant of Uncertain Significance.

GeneDx
Classification: Uncertain significance. Last evaluated: 2021-06-17. Review status: criteria provided, single submitter. Criteria: GeneDx Variant Classification Process June 2021. Collection method: clinical testing. Allele origin: germline. Affected: yes.
Comment: Has not been previously published as pathogenic or benign to our knowledge; Not observed at significant frequency in large population cohorts (Lek et al., 2016); In silico analysis supports that this missense variant has a deleterious effect on protein structure/function; Reported in ClinVar as a variant of uncertain significance (ClinVar Variant ID# 927287; Landrum et al., 2016); This variant is associated with the following publications: (PMID: 27535533)

Department of Vascular Biology, Beijing Anzhen Hospital
Classification: Uncertain significance for Isolated thoracic aortic aneurysm. Last evaluated: 2018-09-01. Review status: criteria provided, single submitter. Criteria: ACMG Guidelines, 2015. Collection method: research. Allele origin: germline. Affected: yes.

Literature cited by the submitters: PubMed 33824467 (cited by Labcorp Genetics (formerly Invitae), Labcorp).